The following is an entry in ClinVar:

ClinVar aggregate classification (germline): Uncertain significance. Review status: criteria provided, multiple submitters, no conflicts (2 of 4 stars). 4 submissions from 4 submitters: Uncertain significance (3). 1 of the submissions does not count toward it. Last evaluated 2025-08-31.

Conditions:
Inborn genetic diseases. Identifiers: MedGen C0950123, MeSH D030342.
ANKRD26-related disorder. Also called: ANKRD26-related condition.

Submissions (4):

Ambry Genetics
Classification: Uncertain significance for Inborn genetic diseases. Last evaluated: 2025-08-31. Review status: criteria provided, single submitter. Criteria: Ambry Variant Classification Scheme 2023. Collection method: clinical testing. Allele origin: germline.

Labcorp Genetics (formerly Invitae), Labcorp
Classification: Uncertain significance. Last evaluated: 2025-08-18. Review status: criteria provided, single submitter. Criteria: Invitae Variant Classification Sherloc (09022015). Collection method: clinical testing. Allele origin: germline.
Comment: This sequence change replaces methionine, which is neutral and non-polar, with lysine, which is basic and polar, at codon 1336 of the ANKRD26 protein (p.Met1336Lys). This variant is not present in population databases (gnomAD no frequency). This variant has not been reported in the literature in individuals affected with ANKRD26-related conditions. ClinVar contains an entry for this variant (Variation ID: 2442669). An algorithm developed to predict the effect of missense changes on protein structure and function (PolyPhen-2) suggests that this variant is likely to be tolerated. In summary, the available evidence is currently insufficient to determine the role of this variant in disease. Therefore, it has been classified as a Variant of Uncertain Significance.

GeneDx
Classification: Uncertain significance. Last evaluated: 2022-08-31. Review status: criteria provided, single submitter. Criteria: GeneDx Variant Classification Process June 2021. Collection method: clinical testing. Allele origin: germline. Affected: yes.
Comment: Not observed at significant frequency in large population cohorts (gnomAD); In silico analysis supports that this missense variant does not alter protein structure/function; Has not been previously published as pathogenic or benign to our knowledge

PreventionGenetics, part of Exact Sciences
Classification: Uncertain significance for ANKRD26-related condition. Last evaluated: 2024-06-26. Review status: no assertion criteria provided. Collection method: clinical testing. Allele origin: germline. Not counted in ClinVar's aggregate classification.
Comment: The ANKRD26 c.4007T>A variant is predicted to result in the amino acid substitution p.Met1336Lys. To our knowledge, this variant has not been reported in the literature or in a large population database, indicating this variant is rare. At this time, the clinical significance of this variant is uncertain due to the absence of conclusive functional and genetic evidence.

NM_014915.3(ANKRD26):c.4007T>A (p.Met1336Lys)

Gene: ANKRD26 (ankyrin repeat domain 26; minus strand). Cytogenetic location: 10p12.1.
Variant type: single nucleotide variant.
Coding change: c.4007T>A on transcript NM_014915.3 (MANE Select); coding-DNA position 4007, T replaced by A.
Protein change: p.Met1336Lys; replaces methionine 1336 with lysine.
Molecular consequence: missense variant.
Genome position (GRCh38, 1-based): chr10:27,024,525, A>T on the plus strand (T>A on the coding strand, the complement: ANKRD26 is on the minus strand). VCF-style: chr10-27024525-A-T. GRCh37 (hg19) VCF-style: chr10-27313454-A-T.
Other names: c.4004T>A, p.Met1335Lys (NM_001256053.2); short protein forms M1335K, M1336K.
Identifiers: ClinVar variation 2442669 (VCV002442669.7), dbSNP rs986895606, ClinGen allele CA376359680.